The following is an entry in ClinVar:

ClinVar aggregate classification (germline): Likely pathogenic (1 of 4 stars; one submission).

gnomAD v4.1: 2 of 1,613,084 alleles (0.00012%); highest among the groups gnomAD compares: East Asian, 0.0045%; no homozygotes.

Submission:

Labcorp Genetics (formerly Invitae), Labcorp
Classification: Likely pathogenic. Last evaluated: 2025-07-09. Review status: criteria provided, single submitter. Criteria: Invitae Variant Classification Sherloc (09022015). Collection method: clinical testing. Allele origin: germline.
Comment: This sequence change affects an acceptor splice site in intron 22 of the SKIV2L gene. It is expected to disrupt RNA splicing. Variants that disrupt the donor or acceptor splice site typically lead to a loss of protein function (PMID: 16199547), and loss-of-function variants in SKIV2L are known to be pathogenic (PMID: 22444670). This variant is not present in population databases (gnomAD no frequency). This variant has not been reported in the literature in individuals affected with SKIV2L-related conditions. Algorithms developed to predict the effect of sequence changes on RNA splicing suggest that this variant may disrupt the consensus splice site. In summary, the currently available evidence indicates that the variant is pathogenic, but additional data are needed to prove that conclusively. Therefore, this variant has been classified as Likely Pathogenic.

Literature cited by the submitters: PubMed 16199547; PubMed 22444670.

NM_006929.5(SKIC2):c.2732-1G>A

Gene: SKIC2 (SKI2 subunit of superkiller complex; plus strand). Cytogenetic location: 6p21.33.
Variant type: single nucleotide variant.
Coding change: c.2732-1G>A on transcript NM_006929.5 (MANE Select); the canonical splice acceptor site of the intron before coding-DNA position 2732, G replaced by A.
Molecular consequence: splice acceptor variant.
Genome position (GRCh38, 1-based): chr6:31,967,955, G>A. VCF-style: chr6-31967955-G-A. GRCh37 (hg19) VCF-style: chr6-31935732-G-A.
Identifiers: ClinVar variation 4766148 (VCV004766148.1).